The following is an entry in ClinVar:

NM_000051.4(ATM):c.2466+8T>C

Gene: ATM (ATM serine/threonine kinase; plus strand). Cytogenetic location: 11q22.3.
Variant type: single nucleotide variant.
Coding change: c.2466+8T>C on transcript NM_000051.4 (MANE Select); 8 bases into the intron after coding-DNA position 2466, T replaced by C.
Molecular consequence: intron variant.
Genome position (GRCh38, 1-based): chr11:108,259,083, T>C. VCF-style: chr11-108259083-T-C. GRCh37 (hg19) VCF-style: chr11-108129810-T-C.
Other names: c.2466+8T>C (NM_001351834.2).
Identifiers: ClinVar variation 524457 (VCV000524457.11), dbSNP rs765619483, ClinGen allele CA6265029.
Genomic context (GRCh38, chr11:108,259,083, plus strand): 5'-GATTGTTAACATCAAAGCTAATGAATGACATTGCAGATATTTGTAAAAGTTTAGTAAGTA[T>C]GCTTCCTGTTTTGCTATCATATTTTGATTCTAATAGGCATAATTTTTTTGTTGAAATATC-3'

ClinVar aggregate classification (germline): Likely benign. Review status: criteria provided, multiple submitters, no conflicts (2 of 4 stars). 3 submissions from 3 submitters: Likely benign (3). Last evaluated 2025-12-29.

Conditions:
Familial cancer of breast. Also called: hereditary breast carcinoma; BREAST CANCER, FAMILIAL; Hereditary breast cancer. Identifiers: Orphanet 227535, MedGen C0346153, MONDO:0016419, OMIM 114480. Disease mechanism: loss of function.
Ataxia-telangiectasia syndrome (AT). Also called: ATAXIA-TELANGIECTASIA, COMPLEMENTATION GROUP A; ATAXIA-TELANGIECTASIA, FRESNO VARIANT; Ataxia-telangiectasia; Ataxia-telangiectasia, complementation group D; AT, COMPLEMENTATION GROUP C; Ataxia-telangiectasia, complementation group E. Identifiers: Orphanet 100, MedGen C0004135, MONDO:0008840, OMIM 208900.

gnomAD v4.1: 4 of 1,604,496 alleles (0.00025%); highest among the groups gnomAD compares: Non-Finnish European, 0.00034%; no homozygotes.

Submissions (3):

Center for Genomic Medicine, Rigshospitalet, Copenhagen University Hospital
Classification: Likely benign. Last evaluated: 2025-12-29. Review status: criteria provided, single submitter. Criteria: ACMG Guidelines, 2015. Collection method: clinical testing. Allele origin: germline.
Comment: Classification criteria: BP7, BP4

Myriad Genetics, Inc.
Classification: Likely benign for Familial cancer of breast. Last evaluated: 2024-05-09. Review status: criteria provided, single submitter. Criteria: Myriad Autosomal Dominant, Autosomal Recessive and X-Linked Classification Criteria (2023). Collection method: clinical testing. Allele origin: unknown.
Comment: This variant is considered likely benign. This variant is intronic and is not expected to impact mRNA splicing.

Labcorp Genetics (formerly Invitae), Labcorp
Classification: Likely benign for Ataxia-telangiectasia syndrome. Last evaluated: 2024-04-29. Review status: criteria provided, single submitter. Criteria: Invitae Variant Classification Sherloc (09022015). Collection method: clinical testing. Allele origin: germline.